The following is an entry in ClinVar:

ClinVar aggregate classification (germline): Likely benign (1 of 4 stars; one submission).

Allele frequency attached by ClinVar (database versions not stated): ExAC 0.00196; 1000 Genomes Project 0.00040; ESP Exome Variant Server 0.00333.

Submission:

CeGaT Center for Human Genetics Tuebingen
Classification: Likely benign. Last evaluated: 2022-11-01. Review status: criteria provided, single submitter. Criteria: CeGaT Center For Human Genetics Tuebingen Variant Classification Criteria Version 2. Collection method: clinical testing. Allele origin: germline. Affected: yes. Observed: 1 variant allele.
Comment: CCL4L2: BP4, BS2; TBC1D3C: BS2

NM_207007.4(CCL4L1):c.192-6C>G

Genes: CCL4L1 (C-C motif chemokine ligand 4 like 1; plus strand), CCL4L2 (C-C motif chemokine ligand 4 like 2; plus strand). Cytogenetic location: 17q12.
Variant type: single nucleotide variant.
Coding change: c.192-6C>G on transcript NM_207007.4 (MANE Select); 6 bases into the intron before coding-DNA position 192, C replaced by G.
Molecular consequence: intron variant.
Genome position (GRCh38, 1-based): chr17:268,179, C>G. VCF-style: chr17-268179-C-G. GRCh37 (hg19) VCF-style: chr17-34641444-C-G.
Identifiers: ClinVar variation 2647685 (VCV002647685.19), dbSNP rs1597769098, ClinGen allele CA8510555.